The following is an entry in ClinVar:

ClinVar aggregate classification (germline): Uncertain significance (1 of 4 stars; one submission).

Conditions:
Spastic paraplegia. Identifiers: MedGen C0037772, HP:0001258.

Submission:

Labcorp Genetics (formerly Invitae), Labcorp
Classification: Uncertain significance for Spastic paraplegia. Last evaluated: 2022-09-06. Review status: criteria provided, single submitter. Criteria: Invitae Variant Classification Sherloc (09022015). Collection method: clinical testing. Allele origin: germline.
Comment: A copy number gain of the genomic region encompassing the full coding sequence of the VAMP1 gene has been identified. The boundaries of this event are unknown as they extend beyond the assayed region for this gene and therefore may encompass additional genes. As the precise location of this event is unknown, it may be in tandem or it may be located elsewhere in the genome. This variant has not been reported in the literature in individuals affected with VAMP1-related conditions. In summary, the available evidence is currently insufficient to determine the role of this variant in disease. Therefore, it has been classified as a Variant of Uncertain Significance.

NC_000012.11:g.(?_6573636)_(6579697_?)dup

Gene: VAMP1 (vesicle associated membrane protein 1; minus strand). Cytogenetic location: 12p13.31.
Variant type: Duplication.
Identifiers: ClinVar variation 1429940 (VCV001429940.4).